The following is an entry in ClinVar:

ClinVar aggregate classification (germline): Uncertain significance. Review status: criteria provided, multiple submitters, no conflicts (2 of 4 stars). 6 submissions from 6 submitters: Uncertain significance (6). Last evaluated 2025-03-04.

Conditions:
Hereditary nonpolyposis colorectal neoplasms. Identifiers: MedGen C0009405, MeSH D003123.
Lynch syndrome. Identifiers: Orphanet 144, MedGen C4552100, MONDO:0005835. Disease mechanism: loss of function.
Hereditary cancer-predisposing syndrome. Also called: Neoplastic Syndromes, Hereditary; Tumor predisposition; Hereditary Cancer Syndrome; Hereditary neoplastic syndrome. Identifiers: Orphanet 140162, MedGen C0027672, MeSH D009386, MONDO:0015356.
Lynch syndrome 4 (LYNCH4). Also called: Colorectal cancer, hereditary nonpolyposis, type 4; Hereditary non-polyposis colorectal cancer, type 4. Identifiers: Orphanet 144, MedGen C1838333, MONDO:0013699, OMIM 614337. Disease mechanism: loss of function.

gnomAD v4.1: 1 of 1,603,180 alleles (0.000062%); highest among the groups gnomAD compares: Non-Finnish European, 0.000085%; no homozygotes.

Submissions (6):

Center for Genomic Medicine, Rigshospitalet, Copenhagen University Hospital
Classification: Uncertain significance. Last evaluated: 2025-03-04. Review status: criteria provided, single submitter. Criteria: ACMG Guidelines, 2015. Collection method: clinical testing. Allele origin: germline.

Labcorp Genetics (formerly Invitae), Labcorp
Classification: Uncertain significance for Hereditary nonpolyposis colorectal neoplasms. Last evaluated: 2025-02-09. Review status: criteria provided, single submitter. Criteria: Invitae Variant Classification Sherloc (09022015). Collection method: clinical testing. Allele origin: germline.
Comment: This sequence change replaces threonine, which is neutral and polar, with isoleucine, which is neutral and non-polar, at codon 99 of the PMS2 protein (p.Thr99Ile). This variant is not present in population databases (gnomAD no frequency). This variant has not been reported in the literature in individuals affected with PMS2-related conditions. ClinVar contains an entry for this variant (Variation ID: 186286). Invitae Evidence Modeling incorporating data from in vitro experimental studies (internal data) indicates that this missense variant is not expected to disrupt PMS2 function with a negative predictive value of 95%. In summary, the available evidence is currently insufficient to determine the role of this variant in disease. Therefore, it has been classified as a Variant of Uncertain Significance.

Ambry Genetics
Classification: Uncertain significance for Hereditary cancer-predisposing syndrome. Last evaluated: 2025-02-05. Review status: criteria provided, single submitter. Criteria: Ambry Variant Classification Scheme 2023. Collection method: clinical testing. Allele origin: germline.
Comment: The p.T99I variant (also known as c.296C>T), located in coding exon 4 of the PMS2 gene, results from a C to T substitution at nucleotide position 296. The threonine at codon 99 is replaced by isoleucine, an amino acid with similar properties. Based on protein sequence alignment, this amino acid position is highly conserved through rock hyrax, but isoleucine is the reference amino acid in the majority of lower vertebrate species. In addition, the in silico prediction for this alteration is inconclusive. Since supporting evidence is limited at this time, the clinical significance of this alteration remains unclear.

All of Us Research Program, National Institutes of Health
Classification: Uncertain significance for Lynch syndrome. Last evaluated: 2023-12-13. Review status: criteria provided, single submitter. Criteria: ACMG Guidelines, 2015. Collection method: clinical testing. Allele origin: germline. Inheritance: Autosomal dominant inheritance. Observed: 1 variant allele, 1 heterozygote.
Comment: This missense variant replaces threonine with isoleucine at codon 99 of the PMS2 protein. Computational prediction suggests that this variant may not impact protein structure and function (internally defined REVEL score threshold <= 0.5, PMID: 27666373). To our knowledge, functional studies have not been reported for this variant. This variant has not been reported in individuals affected with PMS2-related disorders in the literature. This variant has not been identified in the general population by the Genome Aggregation Database (gnomAD). The available evidence is insufficient to determine the role of this variant in disease conclusively. Therefore, this variant is classified as a Variant of Uncertain Significance.

This study involves interpretation of variants in research participants for the purpose of population health screening. Participant phenotype was not available at the time of variant classification. Additional details can be found in publication PMID: 35346344, PMCID: PMC8962531

Color Diagnostics, LLC DBA Color Health
Classification: Uncertain significance for Hereditary cancer-predisposing syndrome. Last evaluated: 2023-12-05. Review status: criteria provided, single submitter. Criteria: ACMG Guidelines, 2015. Collection method: clinical testing. Allele origin: germline.
Comment: This missense variant replaces threonine with isoleucine at codon 99 of the PMS2 protein. Computational prediction suggests that this variant may not impact protein structure and function (internally defined REVEL score threshold <= 0.5, PMID: 27666373). To our knowledge, functional studies have not been reported for this variant. This variant has not been reported in individuals affected with PMS2-related disorders in the literature. This variant has not been identified in the general population by the Genome Aggregation Database (gnomAD). The available evidence is insufficient to determine the role of this variant in disease conclusively. Therefore, this variant is classified as a Variant of Uncertain Significance.

Baylor Genetics
Classification: Uncertain significance for Lynch syndrome 4. Last evaluated: 2023-05-12. Review status: criteria provided, single submitter. Criteria: ACMG Guidelines, 2015. Collection method: clinical testing. Allele origin: unknown.

NM_000535.7(PMS2):c.296C>T (p.Thr99Ile)

Gene: PMS2 (PMS1 homolog 2, mismatch repair system component; minus strand). Cytogenetic location: 7p22.1.
Variant type: single nucleotide variant.
Coding change: c.296C>T on transcript NM_000535.7 (MANE Select); coding-DNA position 296, C replaced by T.
Protein change: p.Thr99Ile; replaces threonine 99 with isoleucine.
Molecular consequence: missense variant. On other transcripts: 5 prime UTR variant (9), non-coding transcript variant (1), intron variant (2).
Genome position (GRCh38, 1-based): chr7:6,003,747, G>A on the plus strand (C>T on the coding strand, the complement: PMS2 is on the minus strand). VCF-style: chr7-6003747-G-A. GRCh37 (hg19) VCF-style: chr7-6043378-G-A.
Other names: c.-110C>T (NM_001322003.2, NM_001322004.2, NM_001322005.2 and 3 more transcripts); c.296C>T, p.Thr99Ile (NM_001322006.2, NM_001322014.2); c.-589C>T (NM_001322011.2, NM_001322012.2); c.-189C>T (NM_001322015.2); c.35+225C>T (NM_001322008.2, NM_001322007.2); short protein forms T99I.
Identifiers: ClinVar variation 186286 (VCV000186286.21), dbSNP rs786202835, ClinGen allele CA011773.